The following is an entry in ClinVar:

NM_001378120.1(MBD5):c.558G>T (p.Leu186=)

Gene: MBD5 (methyl-CpG binding domain protein 5; plus strand). Cytogenetic location: 2q23.1.
Variant type: single nucleotide variant.
Coding change: c.558G>T on transcript NM_001378120.1 (MANE Select); coding-DNA position 558, G replaced by T.
Protein change: p.Leu186=; no amino-acid change (leucine 186 retained).
Molecular consequence: synonymous variant.
Genome position (GRCh38, 1-based): chr2:148,468,501, G>T. VCF-style: chr2-148468501-G-T. GRCh37 (hg19) VCF-style: chr2-149226070-G-T.
Other names: c.558G>T, p.Leu186= (NM_018328.5).
Identifiers: ClinVar variation 508918 (VCV000508918.1), dbSNP rs1553518428, ClinGen allele CA429446990.

ClinVar aggregate classification (germline): Likely benign (1 of 4 stars; one submission).

gnomAD v4.1: 1 of 1,613,822 alleles (0.000062%); no homozygotes.

Submission:

GeneDx
Classification: Likely benign. Last evaluated: 2017-04-18. Review status: criteria provided, single submitter. Criteria: GeneDx Variant Classification (06012015). Collection method: clinical testing. Allele origin: germline. Affected: yes.
Comment: This variant is considered likely benign or benign based on one or more of the following criteria: it is a conservative change, it occurs at a poorly conserved position in the protein, it is predicted to be benign by multiple in silico algorithms, and/or has population frequency not consistent with disease.